The following is an entry in ClinVar:

ClinVar aggregate classification (germline): Uncertain significance. Review status: criteria provided, single submitter (1 of 4 stars). 2 submissions from 2 submitters: Uncertain significance (1). 1 of the submissions does not count toward it. Last evaluated 2023-07-17.

Conditions:
Anophthalmia-microphthalmia syndrome. Also called: Anophthalmia/Microphthalmia; Anophthalmia - microphthalmia. Identifiers: Orphanet 98555, MedGen C5680330, MONDO:0020147.
Microcephaly. Also called: Microcephaly (disease). Identifiers: MedGen C4551563, MONDO:0001149, HP:0000252.

Allele frequency attached by ClinVar (database versions not stated): gnomAD exomes 0.00002; ExAC 0.00003.
gnomAD v4.1: 9 of 1,614,204 alleles (0.00056%); highest among the groups gnomAD compares: East Asian, 0.018%; no homozygotes.

Submissions (2):

Labcorp Genetics (formerly Invitae), Labcorp
Classification: Uncertain significance for Anophthalmia-microphthalmia syndrome. Last evaluated: 2023-07-17. Review status: criteria provided, single submitter. Criteria: Invitae Variant Classification Sherloc (09022015). Collection method: clinical testing. Allele origin: germline.
Comment: In summary, the available evidence is currently insufficient to determine the role of this variant in disease. Therefore, it has been classified as a Variant of Uncertain Significance. Experimental studies have shown that this missense change does not substantially affect OTX2 function (PMID: 19965921). An algorithm developed to predict the effect of missense changes on protein structure and function (PolyPhen-2) suggests that this variant is likely to be tolerated. ClinVar contains an entry for this variant (Variation ID: 813574). This variant has not been reported in the literature in individuals affected with OTX2-related conditions. This variant is present in population databases (rs758228717, gnomAD 0.02%). This sequence change replaces alanine, which is neutral and non-polar, with valine, which is neutral and non-polar, at codon 245 of the OTX2 protein (p.Ala245Val).

Department of Pediatrics, Samsung Medical Center, Samsung Medical Center
Classification: Uncertain significance for Microcephaly. Review status: no assertion criteria provided. Criteria: ACMG Guidelines, 2015. Collection method: research. Allele origin: germline. Affected: yes. Not counted in ClinVar's aggregate classification.

Literature cited by the submitters: PubMed 19965921 (cited by Labcorp Genetics (formerly Invitae), Labcorp).

NM_021728.4(OTX2):c.758C>T (p.Ala253Val)

Gene: OTX2 (orthodenticle homeobox 2; minus strand). Cytogenetic location: 14q22.3.
Variant type: single nucleotide variant.
Coding change: c.758C>T on transcript NM_021728.4 (MANE Select); coding-DNA position 758, C replaced by T.
Protein change: p.Ala253Val; replaces alanine 253 with valine.
Molecular consequence: missense variant. On other transcripts: non-coding transcript variant (2).
Genome position (GRCh38, 1-based): chr14:56,801,871, G>A on the plus strand (C>T on the coding strand, the complement: OTX2 is on the minus strand). VCF-style: chr14-56801871-G-A. GRCh37 (hg19) VCF-style: chr14-57268589-G-A.
Other names: c.734C>T, p.Ala245Val (NM_001270523.2, NM_001270524.2, NM_172337.3); c.758C>T, p.Ala253Val (NM_001270525.2); short protein forms A253V, A245V.
Identifiers: ClinVar variation 813574 (VCV000813574.6), dbSNP rs758228717, ClinGen allele CA7200425.